The following is an entry in ClinVar:

NM_024675.4(PALB2):c.2222G>A (p.Gly741Asp)

Gene: PALB2 (partner and localizer of BRCA2; minus strand). Cytogenetic location: 16p12.2.
Variant type: single nucleotide variant.
Coding change: c.2222G>A on transcript NM_024675.4 (MANE Select); coding-DNA position 2222, G replaced by A.
Protein change: p.Gly741Asp; replaces glycine 741 with aspartic acid.
Molecular consequence: missense variant. On other transcripts: intron variant (1).
Genome position (GRCh38, 1-based): chr16:23,629,932, C>T on the plus strand (G>A on the coding strand, the complement: PALB2 is on the minus strand). VCF-style: chr16-23629932-C-T. GRCh37 (hg19) VCF-style: chr16-23641253-C-T.
Other names: c.2162G>A, p.Gly721Asp (NM_001407296.1); c.2222G>A, p.Gly741Asp (NM_001407297.1, NM_001407298.1, NM_001407299.1 and 3 more transcripts); c.1337G>A, p.Gly446Asp (NM_001407304.1, NM_001407305.1, NM_001407306.1 and 5 more transcripts); c.434G>A, p.Gly145Asp (NM_001407312.1, NM_001407313.1); c.49-657G>A (NM_001407314.1); short protein forms G741D, G721D, G145D, G446D.
Identifiers: ClinVar variation 2702677 (VCV002702677.4), dbSNP rs755907224, ClinGen allele CA7963611.

ClinVar aggregate classification (germline): Uncertain significance. Review status: criteria provided, multiple submitters, no conflicts (2 of 4 stars). 2 submissions from 2 submitters: Uncertain significance (2). Last evaluated 2026-01-05.

Conditions:
Hereditary cancer-predisposing syndrome. Also called: Hereditary neoplastic syndrome; Neoplastic Syndromes, Hereditary; Hereditary Cancer Syndrome; Tumor predisposition. Identifiers: Orphanet 140162, MedGen C0027672, MeSH D009386, MONDO:0015356.
Familial cancer of breast. Also called: Hereditary breast cancer; BREAST CANCER, FAMILIAL; hereditary breast carcinoma. Identifiers: Orphanet 227535, MedGen C0346153, MONDO:0016419, OMIM 114480. Disease mechanism: loss of function.

Allele frequency attached by ClinVar (database versions not stated): gnomAD exomes below 0.00001; ExAC 0.00001.
gnomAD v4.1: 1 of 1,614,070 alleles (0.000062%); highest among the groups gnomAD compares: East Asian, 0.0022%; no homozygotes.

Submissions (2):

Labcorp Genetics (formerly Invitae), Labcorp
Classification: Uncertain significance for Familial cancer of breast. Last evaluated: 2026-01-05. Review status: criteria provided, single submitter. Criteria: Invitae Variant Classification Sherloc (09022015). Collection method: clinical testing. Allele origin: germline.
Comment: This sequence change replaces glycine, which is neutral and non-polar, with aspartic acid, which is acidic and polar, at codon 741 of the PALB2 protein (p.Gly741Asp). This variant is present in population databases (rs755907224, gnomAD 0.006%). This variant has not been reported in the literature in individuals affected with PALB2-related conditions. ClinVar contains an entry for this variant (Variation ID: 2702677). Invitae Evidence Modeling of protein sequence and biophysical properties (such as structural, functional, and spatial information, amino acid conservation, physicochemical variation, residue mobility, and thermodynamic stability) indicates that this missense variant is not expected to disrupt PALB2 protein function with a negative predictive value of 80%. In summary, the available evidence is currently insufficient to determine the role of this variant in disease. Therefore, it has been classified as a Variant of Uncertain Significance.

Ambry Genetics
Classification: Uncertain significance for Hereditary cancer-predisposing syndrome. Last evaluated: 2025-07-03. Review status: criteria provided, single submitter. Criteria: Ambry Variant Classification Scheme 2023. Collection method: clinical testing. Allele origin: germline.
Comment: The p.G741D variant (also known as c.2222G>A), located in coding exon 5 of the PALB2 gene, results from a G to A substitution at nucleotide position 2222. The glycine at codon 741 is replaced by aspartic acid, an amino acid with similar properties. This amino acid position is conserved. In addition, this alteration is predicted to be tolerated by in silico analysis. Based on the available evidence, the clinical significance of this variant remains unclear.